The following is an entry in ClinVar:

ClinVar aggregate classification (germline): Uncertain significance (1 of 4 stars; one submission).

Allele frequency attached by ClinVar (database versions not stated): 1000 Genomes Project 30x 0.00031; gnomAD 0.00001; TOPMed 0.00002; ExAC 0.00003; 1000 Genomes Project 0.00040; gnomAD exomes 0.00001.
gnomAD v4.1: 17 of 1,611,656 alleles (0.0011%); highest among the groups gnomAD compares: African/African-American, 0.008%; no homozygotes.

Submission:

Labcorp Genetics (formerly Invitae), Labcorp
Classification: Uncertain significance. Last evaluated: 2025-07-24. Review status: criteria provided, single submitter. Criteria: Invitae Variant Classification Sherloc (09022015). Collection method: clinical testing. Allele origin: germline.
Comment: This sequence change replaces arginine, which is basic and polar, with glutamine, which is neutral and polar, at codon 265 of the KANK2 protein (p.Arg265Gln). This variant is present in population databases (rs201517586, gnomAD 0.03%). This variant has not been reported in the literature in individuals affected with KANK2-related conditions. ClinVar contains an entry for this variant (Variation ID: 2955330). An algorithm developed to predict the effect of missense changes on protein structure and function (PolyPhen-2) suggests that this variant is likely to be disruptive. In summary, the available evidence is currently insufficient to determine the role of this variant in disease. Therefore, it has been classified as a Variant of Uncertain Significance.

NM_001136191.3(KANK2):c.794G>A (p.Arg265Gln)

Gene: KANK2 (KN motif and ankyrin repeat domains 2; minus strand). Cytogenetic location: 19p13.2.
Variant type: single nucleotide variant.
Coding change: c.794G>A on transcript NM_001136191.3 (MANE Select); coding-DNA position 794, G replaced by A.
Protein change: p.Arg265Gln; replaces arginine 265 with glutamine.
Molecular consequence: missense variant.
Genome position (GRCh38, 1-based): chr19:11,193,286, C>T on the plus strand (G>A on the coding strand, the complement: KANK2 is on the minus strand). VCF-style: chr19-11193286-C-T. GRCh37 (hg19) VCF-style: chr19-11303962-C-T.
Other names: c.794G>A, p.Arg265Gln (NM_001329451.2, NM_001379548.1, NM_001379549.1 and 15 more transcripts); short protein forms R265Q.
Identifiers: ClinVar variation 2955330 (VCV002955330.3), dbSNP rs201517586, ClinGen allele CA9205971.